The following is an entry in ClinVar:

ClinVar aggregate classification (germline): Uncertain significance (1 of 4 stars; one submission).

Conditions:
Familial infantile myasthenia (CMS6). Also called: MYASTHENIC SYNDROME, CONGENITAL, 6, PRESYNAPTIC; Congenital myasthenic syndrome type 6; MYASTHENIC SYNDROME, PRESYNAPTIC, CONGENITAL, ASSOCIATED WITH EPISODIC APNEA. Identifiers: Orphanet 590, MedGen C0393929, MONDO:0009689, OMIM 254210.

Submission:

Labcorp Genetics (formerly Invitae), Labcorp
Classification: Uncertain significance for Familial infantile myasthenia. Last evaluated: 2025-10-08. Review status: criteria provided, single submitter. Criteria: Invitae Variant Classification Sherloc (09022015). Collection method: clinical testing. Allele origin: germline.
Comment: This sequence change replaces isoleucine, which is neutral and non-polar, with methionine, which is neutral and non-polar, at codon 305 of the CHAT protein (p.Ile305Met). This variant is not present in population databases (gnomAD no frequency). This variant has not been reported in the literature in individuals affected with CHAT-related conditions. Invitae Evidence Modeling of protein sequence and biophysical properties (such as structural, functional, and spatial information, amino acid conservation, physicochemical variation, residue mobility, and thermodynamic stability) has been performed for this missense variant. However, the output from this modeling did not meet the statistical confidence thresholds required to predict the impact of this variant on CHAT protein function. In summary, the available evidence is currently insufficient to determine the role of this variant in disease. Therefore, it has been classified as a Variant of Uncertain Significance.

NM_020549.5(CHAT):c.915C>G (p.Ile305Met)

Gene: CHAT (choline O-acetyltransferase; plus strand). Cytogenetic location: 10q11.23.
Variant type: single nucleotide variant.
Coding change: c.915C>G on transcript NM_020549.5 (MANE Select); coding-DNA position 915, C replaced by G.
Protein change: p.Ile305Met; replaces isoleucine 305 with methionine.
Molecular consequence: missense variant.
Genome position (GRCh38, 1-based): chr10:49,625,635, C>G. VCF-style: chr10-49625635-C-G. GRCh37 (hg19) VCF-style: chr10-50833681-C-G.
Other names: c.561C>G, p.Ile187Met (NM_001142929.2, NM_001142934.2, NM_020984.4 and 2 more transcripts); c.669C>G, p.Ile223Met (NM_001142933.2); short protein forms I223M, I305M, I187M.
Identifiers: ClinVar variation 4691965 (VCV004691965.1).